The following is an entry in ClinVar:

NM_001134831.2(AHI1):c.3110-2A>G

Gene: AHI1 (Abelson helper integration site 1; minus strand). Cytogenetic location: 6q23.3.
Variant type: single nucleotide variant.
Coding change: c.3110-2A>G on transcript NM_001134831.2 (MANE Select); the canonical splice acceptor site of the intron before coding-DNA position 3110, A replaced by G.
Molecular consequence: splice acceptor variant.
Genome position (GRCh38, 1-based): chr6:135,358,189, T>C on the plus strand (A>G on the coding strand, the complement: AHI1 is on the minus strand). VCF-style: chr6-135358189-T-C. GRCh37 (hg19) VCF-style: chr6-135679327-T-C.
Other names: c.3110-2A>G (NM_001134830.2, NM_001350503.2, NM_017651.5 and 1 more transcripts).
Identifiers: ClinVar variation 2843116 (VCV002843116.3), dbSNP rs758715635, ClinGen allele CA4012109.

ClinVar aggregate classification (germline): Likely pathogenic (1 of 4 stars; one submission).

Conditions:
Joubert syndrome. Also called: CEREBELLOPARENCHYMAL DISORDER IV; JOUBERT-BOLTSHAUSER SYNDROME; Familial aplasia of the vermis. Identifiers: Orphanet 475, MedGen C5979921, MONDO:0018772.

Allele frequency attached by ClinVar (database versions not stated): gnomAD exomes below 0.00001; ExAC 0.00001.
gnomAD v4.1: 3 of 1,611,390 alleles (0.00019%); highest among the groups gnomAD compares: Non-Finnish European, 0.00025%; no homozygotes.

Submission:

Labcorp Genetics (formerly Invitae), Labcorp
Classification: Likely pathogenic for Joubert syndrome. Last evaluated: 2023-05-05. Review status: criteria provided, single submitter. Criteria: Invitae Variant Classification Sherloc (09022015). Collection method: clinical testing. Allele origin: germline.
Comment: This sequence change affects an acceptor splice site in intron 22 of the AHI1 gene. It is expected to disrupt RNA splicing. Variants that disrupt the donor or acceptor splice site typically lead to a loss of protein function (PMID: 16199547), and loss-of-function variants in AHI1 are known to be pathogenic (PMID: 15322546, 16453322, 28442542, 29186038). This variant is present in population databases (rs758715635, gnomAD 0.0009%). This variant has not been reported in the literature in individuals affected with AHI1-related conditions. Algorithms developed to predict the effect of sequence changes on RNA splicing suggest that this variant may disrupt the consensus splice site. In summary, the currently available evidence indicates that the variant is pathogenic, but additional data are needed to prove that conclusively. Therefore, this variant has been classified as Likely Pathogenic.

Literature cited by the submitters: PubMed 16199547; PubMed 15322546; PubMed 16453322; PubMed 28442542; PubMed 29186038.